The following is an entry in ClinVar:

NM_001164508.2(NEB):c.21960_21961del (p.Lys7321fs)

Genes: NEB (nebulin; minus strand), RIF1 (replication timing regulatory factor 1; plus strand). Cytogenetic location: 2q23.3.
Variant type: Microsatellite.
Coding change: c.21960_21961del on transcript NM_001164508.2 (MANE Select); coding-DNA positions 21960 to 21961, 2 bases deleted (GA; older notation c.21960_21961delGA).
Protein change: p.Lys7321fs; shifts the reading frame from lysine 7321.
Molecular consequence: frameshift variant.
Genome position (GRCh38, 1-based): chr2:151,526,247-151,526,248, TC deleted on the plus strand (GA on the coding strand, the reverse complement: NEB is on the minus strand); deleting any 2 consecutive bases within chr2:151,526,247-151,526,251 gives the same sequence; the c. name uses the placement nearest the transcript's 3' end. VCF-style (leftmost placement, unchanged base first): chr2-151526246-TTC-T. GRCh37 (hg19) VCF-style: chr2-152382760-TTC-T.
Other names: c.21960_21961del, p.Lys7321fs (NM_001164507.2); c.22065_22066del, p.Lys7356fs (NM_001271208.2); c.16857_16858del, p.Lys5620fs (NM_004543.5); short protein forms K5620fs, K7356fs, K7321fs.
Identifiers: ClinVar variation 3647190 (VCV003647190.2).
Genomic context (GRCh38, chr2:151,526,246, plus strand): 5'-GCCAGCAGGATCTGAGGCGTGTCAGGTACGGCATGGCAGGTTCCTCTTTCCTTGACATGT[TTC>T]TCTTTGTATTTCAGCTTCAGGGGCAGGAAAAGGGGCATTTCTTTAGCTCTGCTGGATATC-3'

ClinVar aggregate classification (germline): Pathogenic (1 of 4 stars; one submission).

Conditions:
Nemaline myopathy 2 (NEM2). Also called: Nemaline myopathy 2, autosomal recessive. Identifiers: MedGen C1850569, MONDO:0009725, OMIM 256030.

Submission:

Labcorp Genetics (formerly Invitae), Labcorp
Classification: Pathogenic for Nemaline myopathy 2. Last evaluated: 2024-03-21. Review status: criteria provided, single submitter. Criteria: Invitae Variant Classification Sherloc (09022015). Collection method: clinical testing. Allele origin: germline.
Comment: This sequence change creates a premature translational stop signal (p.Lys7356Thrfs*13) in the NEB gene. It is expected to result in an absent or disrupted protein product. Loss-of-function variants in NEB are known to be pathogenic (PMID: 25205138). This variant is not present in population databases (gnomAD no frequency). This variant has not been reported in the literature in individuals affected with NEB-related conditions. For these reasons, this variant has been classified as Pathogenic.

Literature cited by the submitters: PubMed 25205138.